The following is an entry in ClinVar:

NM_001042492.3(NF1):c.7283A>T (p.Lys2428Ile)

Gene: NF1 (neurofibromin 1; plus strand). Cytogenetic location: 17q11.2.
Variant type: single nucleotide variant.
Coding change: c.7283A>T on transcript NM_001042492.3 (MANE Select); coding-DNA position 7283, A replaced by T.
Protein change: p.Lys2428Ile; replaces lysine 2428 with isoleucine.
Molecular consequence: missense variant.
Genome position (GRCh38, 1-based): chr17:31,349,213, A>T. VCF-style: chr17-31349213-A-T. GRCh37 (hg19) VCF-style: chr17-29676231-A-T.
Other names: c.7220A>T, p.Lys2407Ile (NM_000267.4); short protein forms K2407I, K2428I.
Identifiers: ClinVar variation 839486 (VCV000839486.10), dbSNP rs2070077385, ClinGen allele CA399016846.
Genomic context (GRCh38, chr17:31,349,213, plus strand): 5'-GAACAGTCAGAATTTTACATACACTACTAACTCTGGTTAACAAACACAGAAATTGTGACA[A>T]ATTTGAAGTGAATACACAGAGCGTGGCCTACTTAGCAGGTAAAAACACAAAATAAACAAA-3'
Protein context (NP_001035957.1, residues 2418-2438): TLVNKHRNCD[Lys2428Ile]FEVNTQSVAY

ClinVar aggregate classification (germline): Conflicting classifications of pathogenicity. Review status: criteria provided, conflicting classifications (1 of 4 stars). 2 submissions from 2 submitters: Uncertain significance (1); Likely benign (1). Last evaluated 2025-05-05.

Conditions:
Hereditary cancer-predisposing syndrome. Also called: Neoplastic Syndromes, Hereditary; Hereditary neoplastic syndrome; Tumor predisposition; Hereditary Cancer Syndrome. Identifiers: Orphanet 140162, MedGen C0027672, MeSH D009386, MONDO:0015356.
Cardiovascular phenotype. Identifiers: MedGen CN230736.
Neurofibromatosis, type 1 (NF1). Also called: Peripheral type neurofibromatosis; VON RECKLINGHAUSEN DISEASE; Neurofibromatosis, type I; NEUROFIBROMATOSIS, TYPE I, SOMATIC. Identifiers: Orphanet 636, MedGen C0027831, MONDO:0018975, OMIM 162200. Disease mechanism: loss of function.

Submissions (2):

Labcorp Genetics (formerly Invitae), Labcorp
Classification: Likely benign for Neurofibromatosis, type 1. Last evaluated: 2025-05-05. Review status: criteria provided, single submitter. Criteria: Invitae Variant Classification Sherloc (09022015). Collection method: clinical testing. Allele origin: germline.

Ambry Genetics
Classification: Uncertain significance for Cardiovascular phenotype; Hereditary cancer-predisposing syndrome. Last evaluated: 2025-01-03. Review status: criteria provided, single submitter. Criteria: Ambry Variant Classification Scheme 2023. Collection method: clinical testing. Allele origin: germline.
Comment: The p.K2407I variant (also known as c.7220A>T), located in coding exon 48 of the NF1 gene, results from an A to T substitution at nucleotide position 7220. The lysine at codon 2407 is replaced by isoleucine, an amino acid with dissimilar properties. This amino acid position is well conserved in available vertebrate species. In addition, this alteration is predicted to be tolerated by in silico analysis. Since supporting evidence is limited at this time, the clinical significance of this alteration remains unclear.